The following is an entry in ClinVar:

NM_001267550.2(TTN):c.51916_51922del (p.Gly17306fs)

Genes: TTN (titin; minus strand), TTN-AS1 (TTN antisense RNA 1; plus strand). Cytogenetic location: 2q31.2.
Variant type: Deletion.
Coding change: c.51916_51922del on transcript NM_001267550.2 (MANE Select); coding-DNA positions 51916 to 51922, 7 bases deleted (GGTGAAG; older notation c.51916_51922delGGTGAAG).
Protein change: p.Gly17306fs; shifts the reading frame from glycine 17306.
Molecular consequence: frameshift variant.
Genome position (GRCh38, 1-based): chr2:178,609,388-178,609,394, CTTCACC deleted on the plus strand (GGTGAAG on the coding strand, the reverse complement: TTN is on the minus strand); deleting any 7 consecutive bases within chr2:178,609,388-178,609,398 gives the same sequence; the c. name uses the placement nearest the transcript's 3' end. VCF-style (leftmost placement, unchanged base first): chr2-178609387-ACTTCACC-A. GRCh37 (hg19) VCF-style: chr2-179474114-ACTTCACC-A.
Other names: c.46993_46999del, p.Gly15665fs (NM_001256850.1); c.24721_24727del, p.Gly8241fs (NM_003319.4); c.44212_44218del, p.Gly14738fs (NM_133378.4); c.25096_25102del, p.Gly8366fs (NM_133432.3); c.25297_25303del, p.Gly8433fs (NM_133437.4); c.46993_46999delGGTGAAG (NM_001256850.1); c.24721_24727delGGTGAAG (NM_003319.4); short protein forms G17306fs, G14738fs, G8241fs, G15665fs, G8366fs, G8433fs.
Identifiers: ClinVar variation 503797 (VCV000503797.3), dbSNP rs1553691187, ClinGen allele CA658795989.

ClinVar aggregate classification (germline): Likely pathogenic. Review status: criteria provided, multiple submitters, no conflicts (2 of 4 stars). 2 submissions from 2 submitters: Likely pathogenic (2). Last evaluated 2023-11-02.

Conditions:
Cardiovascular phenotype. Identifiers: MedGen CN230736.

Submissions (2):

Ambry Genetics
Classification: Likely pathogenic for Cardiovascular phenotype. Last evaluated: 2023-11-02. Review status: criteria provided, single submitter. Criteria: Ambry Variant Classification Scheme 2023. Collection method: clinical testing. Allele origin: germline.
Comment: The c.24721_24727delGGTGAAG variant, located in coding exon 100 of the TTN gene, results from a deletion of 7 nucleotides at nucleotide positions 24721 to 24727, causing a translational frameshift with a predicted alternate stop codon (p.G8241Ffs*11). This exon is located in the A-band region of the N2-B isoform of the titin protein and is constitutively expressed in TTN transcripts (percent spliced in or PSI 100%). This variant is considered to be rare based on population cohorts in the Genome Aggregation Database (gnomAD). This alteration is expected to result in loss of function by premature protein truncation or nonsense-mediated mRNA decay. While truncating variants in TTN are present in 1-3% of the general population, truncating variants in the A-band are the most common cause of dilated cardiomyopathy (DCM) (Herman DS et al. N. Engl. J. Med., 2012 Feb;366:619-28; Roberts AM et al. Sci Transl Med, 2015 Jan;7:270ra6). TTN truncating variants encoded in constitutive exons (PSI >90%) have been found to be significantly associated with DCM regardless of their position in titin (Schafer S et al. Nat. Genet., 2017 01;49:46-53). Based on the majority of available evidence to date, this variant is likely to be pathogenic.

GeneDx
Classification: Likely pathogenic. Last evaluated: 2018-07-12. Review status: criteria provided, single submitter. Criteria: GeneDx Variant Classification (06012015). Collection method: clinical testing. Allele origin: germline. Affected: yes.
Comment: The c.46993_46999delGGTGAAG likely pathogenic variant in the TTN gene has not been reported previously as a pathogenic variant or as a benign variant, to our knowledge. This variant causes a shift in reading frame starting at codon glycine 15665, changing it to a phenylalanine, and creating a premature stop codon at position 11 of the new reading frame, denoted p.Gly15665PhefsX11. This likely pathogenic variant is expected to result in either an abnormal, truncated protein product or loss of protein from this allele through nonsense-mediated mRNA decay. Other truncating TTN variants have been reported in approximately 3% of control alleles (Herman et al., 2012). However, the c.46993_46999delGGTGAAG variant is located in the A-band region of titin, where the majority of truncating pathogenic variants associated with DCM have been reported (Herman et al., 2012). Furthermore, the c.46993_46999delGGTGAAG variant is not observed in large population cohorts (Lek et al., 2016).